The following is an entry in ClinVar:

NM_001145358.2(SIN3A):c.3640G>A (p.Val1214Ile)

Gene: SIN3A (SIN3 transcription regulator family member A; minus strand). Cytogenetic location: 15q24.2.
Variant type: single nucleotide variant.
Coding change: c.3640G>A on transcript NM_001145358.2 (MANE Select); coding-DNA position 3640, G replaced by A.
Protein change: p.Val1214Ile; replaces valine 1214 with isoleucine.
Molecular consequence: missense variant.
Genome position (GRCh38, 1-based): chr15:75,372,161, C>T on the plus strand (G>A on the coding strand, the complement: SIN3A is on the minus strand). VCF-style: chr15-75372161-C-T. GRCh37 (hg19) VCF-style: chr15-75664502-C-T.
Other names: c.3640G>A, p.Val1214Ile (NM_001145357.2, NM_015477.3); short protein forms V1214I.
Identifiers: ClinVar variation 1299295 (VCV001299295.1), dbSNP rs750796375, ClinGen allele CA393483548.
Genomic context (GRCh38, chr15:75,372,161, plus strand): 5'-GCCACTTGCTGGTCTCTGCTGCCATTTCACGGGGCACATGCTCCTTGGTCCATTTATCTA[C>T]CCAGGCCTGGAATCTCTGATGTAGACGCTTGCTTACACGCTCATGGGACTGCAAAACAGA-3'
Protein context (NP_001138830.1, residues 1204-1224): KRLHQRFQAW[Val1214Ile]DKWTKEHVPR

ClinVar aggregate classification (germline): Uncertain significance (1 of 4 stars; one submission).

Conditions:
SIN3A-related intellectual disability syndrome due to a point mutation. Also called: WITTEVEEN-KOLK SYNDROME; 15q24 Microdeletion Syndrome. Identifiers: Orphanet 500166, Orphanet 94065, MedGen C4310804, MONDO:0044700, OMIM 613406.

Submission:

Breda Genetics srl
Classification: Uncertain significance for SIN3A-related intellectual disability syndrome due to a point mutation. Last evaluated: 2021-01-12. Review status: criteria provided, single submitter. Criteria: ACMG Guidelines, 2015. Collection method: clinical testing. Allele origin: germline. Inheritance: Autosomal dominant inheritance. Affected: yes. Observed: 1 variant allele, 1 heterozygote.
Comment: Based on allele frequency, in-silico prediction scores and a certain overlap with the clinical phenotype, we interpreted this variant at least as of uncertain significance. The lack of one or more of the following features has discouraged further investigations: lack of a possible second hit in autosomal recessive conditions, presence of healthy controls in databases for autosomal dominant conditions, presence of unmatching cardinal clinical features in the patient or in the known gene-disease association, and/or variant type outside the known gene mutational spectrum.